The following is an entry in ClinVar:

NM_001379500.1(COL18A1):c.2143G>C (p.Val715Leu)

Gene: COL18A1 (collagen type XVIII alpha 1 chain; plus strand). Cytogenetic location: 21q22.3.
Variant type: single nucleotide variant.
Coding change: c.2143G>C on transcript NM_001379500.1 (MANE Select); coding-DNA position 2143, G replaced by C.
Protein change: p.Val715Leu; replaces valine 715 with leucine.
Molecular consequence: missense variant.
Genome position (GRCh38, 1-based): chr21:45,491,300, G>C. VCF-style: chr21-45491300-G-C. GRCh37 (hg19) VCF-style: chr21-46911214-G-C.
Other names: c.2683G>C, p.Val895Leu (NM_030582.4); c.3388G>C, p.Val1130Leu (NM_130444.3); short protein forms V1130L, V715L, V895L.
Identifiers: ClinVar variation 1906897 (VCV001906897.5), dbSNP rs372801767, ClinGen allele CA410497076.

ClinVar aggregate classification (germline): Uncertain significance (1 of 4 stars; one submission).

gnomAD v4.1: 2 of 1,611,848 alleles (0.00012%); highest among the groups gnomAD compares: Non-Finnish European, 0.00017%; no homozygotes.

Submission:

Labcorp Genetics (formerly Invitae), Labcorp
Classification: Uncertain significance. Last evaluated: 2022-06-24. Review status: criteria provided, single submitter. Criteria: Invitae Variant Classification Sherloc (09022015). Collection method: clinical testing. Allele origin: germline.
Comment: In summary, the available evidence is currently insufficient to determine the role of this variant in disease. Therefore, it has been classified as a Variant of Uncertain Significance. Experimental studies and prediction algorithms are not available or were not evaluated, and the functional significance of this variant is currently unknown. This variant has not been reported in the literature in individuals affected with COL18A1-related conditions. This variant is not present in population databases (gnomAD no frequency). This sequence change replaces valine, which is neutral and non-polar, with leucine, which is neutral and non-polar, at codon 715 of the COL18A1 protein (p.Val715Leu).